The following is an entry in ClinVar:

ClinVar aggregate classification (germline): Uncertain significance (1 of 4 stars; one submission).

Conditions:
Cohen syndrome (COH1). Also called: PEPPER SYNDROME; Cutis verticis gyrata, retinitis pigmentosa, and sensorineural deafness. Identifiers: Orphanet 193, MedGen C0265223, MONDO:0008999, OMIM 216550.

Submission:

Labcorp Genetics (formerly Invitae), Labcorp
Classification: Uncertain significance for Cohen syndrome. Last evaluated: 2024-02-17. Review status: criteria provided, single submitter. Criteria: Invitae Variant Classification Sherloc (09022015). Collection method: clinical testing. Allele origin: germline.
Comment: This sequence change replaces cysteine, which is neutral and slightly polar, with glycine, which is neutral and non-polar, at codon 2677 of the VPS13B protein (p.Cys2677Gly). This variant is not present in population databases (gnomAD no frequency). This variant has not been reported in the literature in individuals affected with VPS13B-related conditions. ClinVar contains an entry for this variant (Variation ID: 2041103). Advanced modeling of protein sequence and biophysical properties (such as structural, functional, and spatial information, amino acid conservation, physicochemical variation, residue mobility, and thermodynamic stability) performed at Invitae indicates that this missense variant is expected to disrupt VPS13B protein function with a positive predictive value of 80%. In summary, the available evidence is currently insufficient to determine the role of this variant in disease. Therefore, it has been classified as a Variant of Uncertain Significance.

NM_152564.5(VPS13B):c.7954T>G (p.Cys2652Gly)

Gene: VPS13B (vacuolar protein sorting 13 homolog B; plus strand). Cytogenetic location: 8q22.2.
Variant type: single nucleotide variant.
Coding change: c.7954T>G on transcript NM_152564.5 (MANE Select); coding-DNA position 7954, T replaced by G.
Protein change: p.Cys2652Gly; replaces cysteine 2652 with glycine.
Molecular consequence: missense variant.
Genome position (GRCh38, 1-based): chr8:99,809,387, T>G. VCF-style: chr8-99809387-T-G. GRCh37 (hg19) VCF-style: chr8-100821615-T-G.
Other names: c.8029T>G, p.Cys2677Gly (NM_017890.5); short protein forms C2652G, C2677G.
Identifiers: ClinVar variation 2041103 (VCV002041103.4), dbSNP rs1343091132, ClinGen allele CA371769506.